The following is an entry in ClinVar:

ClinVar aggregate classification (germline): Uncertain significance. Review status: criteria provided, multiple submitters, no conflicts (2 of 4 stars). 3 submissions from 3 submitters: Uncertain significance (3). Last evaluated 2025-12-29.

Conditions:
Cardiovascular phenotype. Identifiers: MedGen CN230736.
Long QT syndrome (LQTS). Identifiers: MedGen C0023976, MeSH D008133, MONDO:0002442. Disease mechanism: loss of function. Inheritance: Various modes of inheritance.

Allele frequency attached by ClinVar (database versions not stated): gnomAD 0.00002; gnomAD exomes 0.00002; ExAC 0.00003; TOPMed 0.00003.
gnomAD v4.1: 24 of 1,578,244 alleles (0.0015%); highest among the groups gnomAD compares: Admixed American, 0.0035%; no homozygotes.

Submissions (3):

Labcorp Genetics (formerly Invitae), Labcorp
Classification: Uncertain significance for Long QT syndrome. Last evaluated: 2025-12-29. Review status: criteria provided, single submitter. Criteria: Invitae Variant Classification Sherloc (09022015). Collection method: clinical testing. Allele origin: germline.
Comment: This sequence change replaces arginine, which is basic and polar, with cysteine, which is neutral and slightly polar, at codon 24 of the CACNA1C protein (p.Arg24Cys). The frequency data for this variant in the population databases is considered unreliable, as metrics indicate poor data quality at this position in the gnomAD database. This missense change has been observed in individual(s) with long QT Syndrome (PMID: 31737537). ClinVar contains an entry for this variant (Variation ID: 190675). Invitae Evidence Modeling of protein sequence and biophysical properties (such as structural, functional, and spatial information, amino acid conservation, physicochemical variation, residue mobility, and thermodynamic stability) indicates that this missense variant is not expected to disrupt CACNA1C protein function with a negative predictive value of 95%. In summary, the available evidence is currently insufficient to determine the role of this variant in disease. Therefore, it has been classified as a Variant of Uncertain Significance.

Ambry Genetics
Classification: Uncertain significance for Cardiovascular phenotype. Last evaluated: 2021-09-20. Review status: criteria provided, single submitter. Criteria: Ambry Variant Classification Scheme 2023. Collection method: clinical testing. Allele origin: germline.
Comment: The p.R24C variant (also known as c.70C>T), located in coding exon 2 of the CACNA1C gene, results from a C to T substitution at nucleotide position 70. The arginine at codon 24 is replaced by cysteine, an amino acid with highly dissimilar properties. This alteration has been reported in a Brugada syndrome cohort; however, clinical details were limited (Marschall C et al. Cardiovasc Diagn Ther, 2019 Oct;9:S292-S298). This missense alteration is located in a region that has a low rate of benign missense variation (Lek M et al. Nature. 2016 Aug 18;536(7616):285-91; DECIPHER: Database of Chromosomal Imbalance and Phenotype in Humans using Ensembl Resources. Firth H.V. et al. 2009. Am.J.Hum.Genet. 84, 524-533 (DOI)). This amino acid position is well conserved in available vertebrate species. In addition, the in silico prediction for this alteration is inconclusive. Since supporting evidence is limited at this time, the clinical significance of this alteration remains unclear.

GeneDx
Classification: Uncertain significance. Last evaluated: 2012-12-31. Review status: criteria provided, single submitter. Criteria: GeneDx Variant Classification (06012015). Collection method: clinical testing. Allele origin: germline. Affected: yes.
Comment: p.Arg24Cys (CGC>TGC): c.70 C>T in exon 2 of the CACNA1C gene (NM_000719.6). The Arg24Cys variant in the CACNA1C gene has not been reported as a disease-causing mutation or as a benign polymorphism to our knowledge. Arg24Cys results in a non-conservative amino acid substitution of a positively charged Arginine with a neutral, polar Cysteine at a position that is conserved across species. In silico analysis predicts Arg24Cys is possibly damaging to the protein structure/function. The NHLBI ESP Exome Variant Server reports Arg24Cys was not observed in approximately 6,000 samples from individuals of European and African American backgrounds, indicating it is not a common benign variant in these populations. Nevertheless, no mutations in nearby codons have been reported in association with LQTS. With the clinical and molecular information available at this time, we cannot definitively determine if Arg24Cys is a disease-causing mutation or a rare benign variant. The variant is found in LQT panel(s).

Literature cited by the submitters: PubMed 31737537 (cited by Labcorp Genetics (formerly Invitae), Labcorp and Ambry Genetics).

NM_000719.7(CACNA1C):c.70C>T (p.Arg24Cys)

Gene: CACNA1C (calcium voltage-gated channel subunit alpha1 C; plus strand). Cytogenetic location: 12p13.33.
Variant type: single nucleotide variant.
Coding change: c.70C>T on transcript NM_000719.7 (MANE Select); coding-DNA position 70, C replaced by T.
Protein change: p.Arg24Cys; replaces arginine 24 with cysteine.
Molecular consequence: missense variant.
Genome position (GRCh38, 1-based): chr12:2,115,244, C>T. VCF-style: chr12-2115244-C-T. GRCh37 (hg19) VCF-style: chr12-2224410-C-T.
Other names: p.R24C:CGC>TGC; c.70C>T, p.Arg24Cys (NM_001129827.2, NM_001129829.2, NM_001129830.3 and 19 more transcripts); short protein forms R24C.
Identifiers: ClinVar variation 190675 (VCV000190675.11), dbSNP rs773211348, ClinGen allele CA301543.